The following is an entry in ClinVar:

NM_007294.4(BRCA1):c.1846T>C (p.Ser616Pro)

Gene: BRCA1 (BRCA1 DNA repair associated; minus strand). Cytogenetic location: 17q21.31.
Variant type: single nucleotide variant.
Coding change: c.1846T>C on transcript NM_007294.4 (MANE Select); coding-DNA position 1846, T replaced by C.
Protein change: p.Ser616Pro; replaces serine 616 with proline.
Molecular consequence: missense variant. On other transcripts: intron variant (137).
Genome position (GRCh38, 1-based): chr17:43,093,685, A>G on the plus strand (T>C on the coding strand, the complement: BRCA1 is on the minus strand). VCF-style: chr17-43093685-A-G. GRCh37 (hg19) VCF-style: chr17-41245702-A-G.
Other names: c.1633T>C, p.Ser545Pro (NM_001407571.1, NM_001407853.1, NM_001407894.1 and 9 more transcripts); c.1846T>C, p.Ser616Pro (NM_001407581.1, NM_001407582.1, NM_001407583.1 and 30 more transcripts); c.1843T>C, p.Ser615Pro (NM_001407587.1, NM_001407590.1, NM_001407591.1 and 22 more transcripts); c.1837T>C, p.Ser613Pro (NM_001407646.1, NM_001407647.1); c.1723T>C, p.Ser575Pro (NM_001407648.1, NM_001407664.1, NM_001407665.1 and 19 more transcripts); c.1720T>C, p.Ser574Pro (NM_001407649.1, NM_001407670.1, NM_001407671.1 and 11 more transcripts); c.1768T>C, p.Ser590Pro (NM_001407653.1, NM_001407654.1, NM_001407655.1 and 4 more transcripts); c.1765T>C, p.Ser589Pro (NM_001407659.1, NM_001407660.1, NM_001407661.1 and 1 more transcripts); and 40 more; short protein forms S320P, S488P, S505P, S545P, S549P, S590P, S613P, S527P.
Identifiers: ClinVar variation 2991774 (VCV002991774.4), dbSNP rs2154417465, ClinGen allele CA10598327.

ClinVar aggregate classification (germline): Uncertain significance. Review status: criteria provided, multiple submitters, no conflicts (2 of 4 stars). 2 submissions from 2 submitters: Uncertain significance (2). Last evaluated 2025-05-17.

Conditions:
Hereditary cancer-predisposing syndrome. Also called: Hereditary Cancer Syndrome; Hereditary neoplastic syndrome; Neoplastic Syndromes, Hereditary; Tumor predisposition. Identifiers: Orphanet 140162, MedGen C0027672, MeSH D009386, MONDO:0015356.
Hereditary breast ovarian cancer syndrome. Also called: BRCA1- and BRCA2-Associated Hereditary Breast and Ovarian Cancer; Hereditary breast and ovarian cancer syndrome; Hereditary breast and/or ovarian cancer syndrome; Hereditary breast and ovarian cancer; Hereditary breast and ovarian cancer syndrome (HBOC); Breast and ovarian cancer. Identifiers: Orphanet 145, MedGen C0677776, MeSH D061325, MONDO:0003582. Disease mechanism: loss of function.

Submissions (2):

Ambry Genetics
Classification: Uncertain significance for Hereditary cancer-predisposing syndrome. Last evaluated: 2025-05-17. Review status: criteria provided, single submitter. Criteria: Ambry Variant Classification Scheme 2023. Collection method: clinical testing. Allele origin: germline.
Comment: The p.S616P variant (also known as c.1846T>C), located in coding exon 9 of the BRCA1 gene, results from a T to C substitution at nucleotide position 1846. The serine at codon 616 is replaced by proline, an amino acid with similar properties. This amino acid position is highly conserved in available vertebrate species. In addition, the in silico prediction for this alteration is inconclusive. Based on the available evidence, the clinical significance of this variant remains unclear.

Labcorp Genetics (formerly Invitae), Labcorp
Classification: Uncertain significance for Hereditary breast ovarian cancer syndrome. Last evaluated: 2025-03-10. Review status: criteria provided, single submitter. Criteria: Invitae Variant Classification Sherloc (09022015). Collection method: clinical testing. Allele origin: germline.
Comment: This sequence change replaces serine, which is neutral and polar, with proline, which is neutral and non-polar, at codon 616 of the BRCA1 protein (p.Ser616Pro). This variant is not present in population databases (gnomAD no frequency). This variant has not been reported in the literature in individuals affected with BRCA1-related conditions. ClinVar contains an entry for this variant (Variation ID: 2991774). Invitae Evidence Modeling of protein sequence and biophysical properties (such as structural, functional, and spatial information, amino acid conservation, physicochemical variation, residue mobility, and thermodynamic stability) has been performed for this missense variant. However, the output from this modeling did not meet the statistical confidence thresholds required to predict the impact of this variant on BRCA1 protein function. In summary, the available evidence is currently insufficient to determine the role of this variant in disease. Therefore, it has been classified as a Variant of Uncertain Significance.